The following is an entry in ClinVar:

ClinVar aggregate classification (germline): Uncertain significance (1 of 4 stars; one submission).

Allele frequency attached by ClinVar (database versions not stated): ExAC 0.00001; gnomAD 0.00001.
gnomAD v4.1: 1 of 1,612,788 alleles (0.000062%); highest among the groups gnomAD compares: Admixed American, 0.0017%; no homozygotes.

Submission:

Labcorp Genetics (formerly Invitae), Labcorp
Classification: Uncertain significance. Last evaluated: 2022-06-09. Review status: criteria provided, single submitter. Criteria: Invitae Variant Classification Sherloc (09022015). Collection method: clinical testing. Allele origin: germline.
Comment: This variant has not been reported in the literature in individuals affected with POLR3A-related conditions. This variant is present in population databases (rs748631026, gnomAD 0.0009%). This sequence change falls in intron 15 of the POLR3A gene. It does not directly change the encoded amino acid sequence of the POLR3A protein. It affects a nucleotide within the consensus splice site. Variants that disrupt the consensus splice site are a relatively common cause of aberrant splicing (PMID: 17576681, 9536098). Algorithms developed to predict the effect of sequence changes on RNA splicing suggest that this variant may disrupt the consensus splice site. In summary, the available evidence is currently insufficient to determine the role of this variant in disease. Therefore, it has been classified as a Variant of Uncertain Significance.

Literature cited by the submitters: PubMed 17576681; PubMed 9536098.

NM_007055.4(POLR3A):c.2074+5G>A

Gene: POLR3A (RNA polymerase III subunit A; minus strand). Cytogenetic location: 10q22.3.
Variant type: single nucleotide variant.
Coding change: c.2074+5G>A on transcript NM_007055.4 (MANE Select); 5 bases into the intron after coding-DNA position 2074, G replaced by A.
Molecular consequence: intron variant.
Genome position (GRCh38, 1-based): chr10:78,007,697, C>T on the plus strand (G>A on the coding strand, the complement: POLR3A is on the minus strand). VCF-style: chr10-78007697-C-T. GRCh37 (hg19) VCF-style: chr10-79767455-C-T.
Identifiers: ClinVar variation 1944752 (VCV001944752.5), dbSNP rs748631026, ClinGen allele CA5571236.
Genomic context (GRCh38, chr10:78,007,697, plus strand): 5'-AACGTAAACCCTTAAGACTCTAACAATTGCAGCTTTAACTAAAAGAAGGATGCTGAGATA[C>T]TTACACAGGTAGACAGGAGCCAGCCTGGCGAGCCGTGACATGGCATCTGCAGCTTCATTC-3'